The following is an entry in ClinVar:

NM_001035.3(RYR2):c.2024A>G (p.Tyr675Cys)

Gene: RYR2 (ryanodine receptor 2; plus strand). Cytogenetic location: 1q43.
Variant type: single nucleotide variant.
Coding change: c.2024A>G on transcript NM_001035.3 (MANE Select); coding-DNA position 2024, A replaced by G.
Protein change: p.Tyr675Cys; replaces tyrosine 675 with cysteine.
Molecular consequence: missense variant.
Genome position (GRCh38, 1-based): chr1:237,496,573, A>G. VCF-style: chr1-237496573-A-G. GRCh37 (hg19) VCF-style: chr1-237659873-A-G.
Other names: short protein forms Y675C.
Identifiers: ClinVar variation 2201846 (VCV002201846.5), dbSNP rs764403692, ClinGen allele CA085944.

ClinVar aggregate classification (germline): Uncertain significance. Review status: criteria provided, multiple submitters, no conflicts (2 of 4 stars). 2 submissions from 2 submitters: Uncertain significance (2). Last evaluated 2023-10-02.

Conditions:
Catecholaminergic polymorphic ventricular tachycardia (CVPT). Also called: Catecholamine-induced polymorphic ventricular tachycardia. Identifiers: Orphanet 3286, MedGen C5574922, MONDO:0017990.
Catecholaminergic polymorphic ventricular tachycardia 1. Also called: VENTRICULAR TACHYCARDIA, STRESS-INDUCED POLYMORPHIC 1; VENTRICULAR TACHYCARDIA, CATECHOLAMINERGIC POLYMORPHIC, 1, WITH OR WITHOUT ATRIAL DYSFUNCTION AND/OR DILATED CARDIOMYOPATHY; RYR2-Related Catecholaminergic Polymorphic Ventricular Tachycardia. Identifiers: Orphanet 3286, MedGen C1631597, MONDO:0011484, OMIM 604772.

Allele frequency attached by ClinVar (database versions not stated): gnomAD exomes below 0.00001; ExAC 0.00002.
gnomAD v4.1: 5 of 1,614,020 alleles (0.00031%); highest among the groups gnomAD compares: Admixed American, 0.0017%; no homozygotes.

Submissions (2):

All of Us Research Program, National Institutes of Health
Classification: Uncertain significance for Catecholaminergic polymorphic ventricular tachycardia. Last evaluated: 2023-10-02. Review status: criteria provided, single submitter. Criteria: ACMG Guidelines, 2015. Collection method: clinical testing. Allele origin: germline. Inheritance: Autosomal dominant inheritance. Observed: 1 variant allele, 1 heterozygote.
Comment: This missense variant replaces tyrosine with cysteine at codon 675 of the RYR2 protein. Computational prediction is inconclusive regarding the impact of this variant on protein structure and function (internally defined REVEL score threshold 0.5 < inconclusive < 0.7, PMID: 27666373). To our knowledge, functional studies have not been reported for this variant. This variant has not been reported in individuals affected with RYR2-related disorders in the literature. This variant has been identified in 2/249280 chromosomes in the general population by the Genome Aggregation Database (gnomAD). The available evidence is insufficient to determine the role of this variant in disease conclusively. Therefore, this variant is classified as a Variant of Uncertain Significance.

This study involves interpretation of variants in research participants for the purpose of population health screening. Participant phenotype was not available at the time of variant classification. Additional details can be found in publication PMID: 35346344, PMCID: PMC8962531

Labcorp Genetics (formerly Invitae), Labcorp
Classification: Uncertain significance for Catecholaminergic polymorphic ventricular tachycardia 1. Last evaluated: 2022-03-25. Review status: criteria provided, single submitter. Criteria: Invitae Variant Classification Sherloc (09022015). Collection method: clinical testing. Allele origin: germline.
Comment: In summary, the available evidence is currently insufficient to determine the role of this variant in disease. Therefore, it has been classified as a Variant of Uncertain Significance. Advanced modeling of protein sequence and biophysical properties (such as structural, functional, and spatial information, amino acid conservation, physicochemical variation, residue mobility, and thermodynamic stability) performed at Invitae indicates that this missense variant is not expected to disrupt RYR2 protein function. This variant has not been reported in the literature in individuals affected with RYR2-related conditions. This variant is present in population databases (rs764403692, gnomAD 0.006%). This sequence change replaces tyrosine, which is neutral and polar, with cysteine, which is neutral and slightly polar, at codon 675 of the RYR2 protein (p.Tyr675Cys).